The following is an entry in ClinVar:

NM_000260.4(MYO7A):c.2156G>A (p.Trp719Ter)

Gene: MYO7A (myosin VIIA; plus strand). Cytogenetic location: 11q13.5.
Variant type: single nucleotide variant.
Coding change: c.2156G>A on transcript NM_000260.4 (MANE Select); coding-DNA position 2156, G replaced by A.
Protein change: p.Trp719Ter; replaces tryptophan 719 with a stop codon.
Molecular consequence: nonsense.
Genome position (GRCh38, 1-based): chr11:77,175,433, G>A. VCF-style: chr11-77175433-G-A. GRCh37 (hg19) VCF-style: chr11-76886479-G-A.
Other names: c.2156G>A, p.Trp719Ter (NM_001127180.2); c.2123G>A, p.Trp708Ter (NM_001369365.1); short protein forms W719*, W708*.
Identifiers: ClinVar variation 2784798 (VCV002784798.3), dbSNP rs1555079548, ClinGen allele CA381939718.

ClinVar aggregate classification (germline): Pathogenic (1 of 4 stars; one submission).

Allele frequency attached by ClinVar (database versions not stated): gnomAD exomes below 0.00001.
gnomAD v4.1: 2 of 1,613,350 alleles (0.00012%); highest among the groups gnomAD compares: Non-Finnish European, 0.00017%; no homozygotes.

Submission:

Labcorp Genetics (formerly Invitae), Labcorp
Classification: Pathogenic. Last evaluated: 2023-07-25. Review status: criteria provided, single submitter. Criteria: Invitae Variant Classification Sherloc (09022015). Collection method: clinical testing. Allele origin: germline.
Comment: This sequence change creates a premature translational stop signal (p.Trp719*) in the MYO7A gene. It is expected to result in an absent or disrupted protein product. Loss-of-function variants in MYO7A are known to be pathogenic (PMID: 8900236, 25404053). For these reasons, this variant has been classified as Pathogenic. This variant has not been reported in the literature in individuals affected with MYO7A-related conditions. This variant is present in population databases (no rsID available, gnomAD 0.0009%).

Literature cited by the submitters: PubMed 8900236; PubMed 25404053.